The following is an entry in ClinVar:

ClinVar aggregate classification (germline): Pathogenic (1 of 4 stars; one submission).

Conditions:
Bardet-Biedl syndrome (BBS). Identifiers: Orphanet 110, MedGen C0752166, MONDO:0015229.
McKusick-Kaufman syndrome (MKKS). Also called: HYDROMETROCOLPOS SYNDROME; HYDROMETROCOLPOS, POSTAXIAL POLYDACTYLY, AND CONGENITAL HEART MALFORMATION. Identifiers: Orphanet 2473, MedGen C0948368, MONDO:0009367, OMIM 236700.

Allele frequency attached by ClinVar (database versions not stated): gnomAD exomes below 0.00001; ExAC 0.00001.
gnomAD v4.1: 1 of 1,612,114 alleles (0.000062%); highest among the groups gnomAD compares: Non-Finnish European, 0.000085%; no homozygotes.

Submissions (2):

Labcorp Genetics (formerly Invitae), Labcorp
Classification: Pathogenic for McKusick-Kaufman syndrome; Bardet-Biedl syndrome. Last evaluated: 2024-02-11. Review status: criteria provided, single submitter. Criteria: Invitae Variant Classification Sherloc (09022015). Collection method: clinical testing. Allele origin: germline.
Comment: This sequence change affects a donor splice site in intron 5 of the MKKS gene. While this variant is not anticipated to result in nonsense mediated decay, it likely alters RNA splicing and results in a disrupted protein product. This variant is present in population databases (rs755716827, gnomAD 0.0009%). Disruption of this splice site has been observed in individual(s) with clinical features of Bardet-Biedl syndrome (PMID: 22773737). ClinVar contains an entry for this variant (Variation ID: 631869). Variants that disrupt the consensus splice site are a relatively common cause of aberrant splicing (PMID: 17576681, 9536098). Algorithms developed to predict the effect of sequence changes on RNA splicing suggest that this variant may disrupt the consensus splice site. This variant disrupts a region of the MKKS protein in which other variant(s) (p.Ser479*) have been determined to be pathogenic (PMID: 15770229, 33138063). This suggests that this is a clinically significant region of the protein, and that variants that disrupt it are likely to be disease-causing. For these reasons, this variant has been classified as Pathogenic.

Dr. Peter K. Rogan Lab, Western University
No classification provided (evidence only). Condition: Uterine corpus endometrial carcinoma. Review status: no classification provided. Collection method: in vitro. Allele origin: not applicable. Functional consequence: skipped exon. Not counted in ClinVar's aggregate classification.

Literature cited by the submitters: PubMed 22773737 (cited by Labcorp Genetics (formerly Invitae), Labcorp); PubMed 17576681 (cited by Labcorp Genetics (formerly Invitae), Labcorp); PubMed 9536098 (cited by Labcorp Genetics (formerly Invitae), Labcorp); PubMed 15770229 (cited by Labcorp Genetics (formerly Invitae), Labcorp); PubMed 33138063 (cited by Labcorp Genetics (formerly Invitae), Labcorp).

NM_170784.3(MKKS):c.1272+1G>A

Gene: MKKS (MKKS centrosomal shuttling protein; minus strand). Cytogenetic location: 20p12.2.
Variant type: single nucleotide variant.
Coding change: c.1272+1G>A on transcript NM_170784.3 (MANE Select); the canonical splice donor site of the intron after coding-DNA position 1272, G replaced by A.
Molecular consequence: splice donor variant.
Genome position (GRCh38, 1-based): chr20:10,407,615, C>T on the plus strand (G>A on the coding strand, the complement: MKKS is on the minus strand). VCF-style: chr20-10407615-C-T. GRCh37 (hg19) VCF-style: chr20-10388263-C-T.
Other names: c.1272+1G>A (NM_018848.3).
Identifiers: ClinVar variation 631869 (VCV000631869.8), dbSNP rs755716827, ClinGen allele CA9763519.
Genomic context (GRCh38, chr20:10,407,615, plus strand): 5'-TATCTCAGAAAACAAAAGTTGCTGAGAATTCAGGTAATCCGAAGAGGATTATCTTACATA[C>T]CTTGTGTCTGATATATGCAGCCAAATGAGTTTCAGTACAGCCACCTCCCAACAAAGCCCA-3'